The following is an entry in ClinVar:

ClinVar aggregate classification (germline): Uncertain significance (1 of 4 stars; one submission).

Submission:

GeneDx
Classification: Uncertain significance. Last evaluated: 2026-04-02. Review status: criteria provided, single submitter. Criteria: GeneDx Variant Classification Process June 2021. Collection method: clinical testing. Allele origin: germline.
Comment: Not observed at significant frequency in large population cohorts (gnomAD); In silico analysis suggests that this missense variant does not alter protein structure/function; Has not been previously published as pathogenic or benign to our knowledge.

NM_001367721.1(CASK):c.1172A>G (p.Asn391Ser)

Gene: CASK (calcium/calmodulin dependent serine protein kinase; minus strand). Cytogenetic location: Xp11.4.
Variant type: single nucleotide variant.
Coding change: c.1172A>G on transcript NM_001367721.1 (MANE Select); coding-DNA position 1172, A replaced by G.
Protein change: p.Asn391Ser; replaces asparagine 391 with serine.
Molecular consequence: missense variant.
Genome position (GRCh38, 1-based): chrX:41,589,576, T>C on the plus strand (A>G on the coding strand, the complement: CASK is on the minus strand). VCF-style: chrX-41589576-T-C. GRCh37 (hg19) VCF-style: chrX-41448829-T-C.
Other names: c.1172A>G, p.Asn391Ser (NM_001126054.3, NM_003688.4); c.1154A>G, p.Asn385Ser (NM_001126055.3, NM_001410745.1); short protein forms N385S, N391S.
Identifiers: ClinVar variation 5017140 (VCV005017140.1).
Genomic context (GRCh38, chrX:41,589,576, plus strand): 5'-TCTTTGGCTCTCTGTACTGCATCGCTTGGAGGATTCCTGATTTGTGGTGAAGACTTTGTG[T>C]TAATTTTGTCATACAGCTAAAAAGCAAAGAAGAAAATCCAGTAAACACTCACAATTCTTT-3'
Protein context (NP_001354650.1, residues 381-401): HTLLDLYDKI[Asn391Ser]TKSSPQIRNP